The following is an entry in ClinVar:

ClinVar aggregate classification (germline): Benign. Review status: criteria provided, multiple submitters, no conflicts (2 of 4 stars). 4 submissions from 3 submitters: Benign (4). Last evaluated 2021-05-12.

Conditions:
Charcot-Marie-Tooth disease, axonal, with vocal cord paresis, autosomal recessive. Also called: CHARCOT-MARIE-TOOTH DISEASE, TYPE 4A, AXONAL FORM; CHARCOT-MARIE-TOOTH NEUROPATHY, AXONAL, WITH VOCAL CORD PARESIS, AUTOSOMAL RECESSIVE; CMT2 WITH VOCAL CORD PARESIS, AUTOSOMAL RECESSIVE. Identifiers: Orphanet 101097, MedGen C1843183, MONDO:0011898, OMIM 607706.
Charcot-Marie-Tooth disease recessive intermediate A (CMTRIA). Also called: CHARCOT-MARIE-TOOTH NEUROPATHY, RECESSIVE INTERMEDIATE A. Identifiers: Orphanet 217055, MedGen C1842197, MONDO:0012014, OMIM 608340.

Allele frequency attached by ClinVar (database versions not stated): ExAC 0.24126; 1000 Genomes Project 30x 0.26483; 1000 Genomes Project 0.26677; gnomAD exomes 0.28287; TOPMed 0.29265; gnomAD 0.29968 and 0.30274.
gnomAD v4.1: 134,482 of 453,828 alleles (30%); highest among the groups gnomAD compares: Non-Finnish European, 34%; 20,947 homozygotes.

Submissions (4):

GeneDx
Classification: Benign. Last evaluated: 2021-05-12. Review status: criteria provided, single submitter. Criteria: GeneDx Variant Classification Process June 2021. Collection method: clinical testing. Allele origin: germline. Affected: yes.

Illumina Laboratory Services, Illumina
Classification: Benign for Charcot-Marie-Tooth disease recessive intermediate A. Last evaluated: 2018-01-12. Review status: criteria provided, single submitter. Criteria: ICSL Variant Classification Criteria 13 December 2019. Collection method: clinical testing. Allele origin: germline.
Comment: This variant was observed in the ICSL laboratory as part of a predisposition screen in an ostensibly healthy population. It had not been previously curated by ICSL or reported in the Human Gene Mutation Database (HGMD: prior to June 1st, 2018), and was therefore a candidate for classification through an automated scoring system. Utilizing variant allele frequency, disease prevalence and penetrance estimates, and inheritance mode, an automated score was calculated to assess if this variant is too frequent to cause the disease. Based on the score and internal cut-off values, a variant classified as benign is not then subjected to further curation. The score for this variant resulted in a classification of benign for this disease.

Illumina Laboratory Services, Illumina
Classification: Benign for Charcot-Marie-Tooth disease, axonal, with vocal cord paresis, autosomal recessive. Last evaluated: 2018-01-12. Review status: criteria provided, single submitter. Criteria: ICSL Variant Classification Criteria 13 December 2019. Collection method: clinical testing. Allele origin: germline.
Comment: the same text as in the submission from Illumina Laboratory Services, Illumina above.

Breakthrough Genomics
Classification: Benign. Review status: criteria provided, single submitter. Criteria: ACMG Guidelines, 2015. Collection method: not provided. Allele origin: germline. Inheritance: Autosomal recessive inheritance. Affected: yes.

NM_018972.4(GDAP1):c.*1855A>G

Gene: GDAP1 (ganglioside induced differentiation associated protein 1; plus strand). Cytogenetic location: 8q21.11.
Variant type: single nucleotide variant.
Coding change: c.*1855A>G on transcript NM_018972.4 (MANE Select); 1855 bases downstream of the stop codon, A replaced by G.
Molecular consequence: 3 prime UTR variant. On other transcripts: intron variant (1).
Genome position (GRCh38, 1-based): chr8:74,366,222, A>G. VCF-style: chr8-74366222-A-G. GRCh37 (hg19) VCF-style: chr8-75278457-A-G.
Other names: c.*1855A>G (NM_001040875.4, NM_001362929.2, NM_001362930.2 and 1 more transcripts); c.694+3169A>G (NM_001362931.2).
Identifiers: ClinVar variation 363752 (VCV000363752.8), dbSNP rs6472842, ClinGen allele CA4785343.